The following is an entry in ClinVar:

ClinVar aggregate classification (germline): Likely pathogenic (1 of 4 stars; one submission).

Conditions:
Tuberous sclerosis 2 (TSC2). Identifiers: Orphanet 805, MedGen C1860707, MONDO:0013199, OMIM 613254.

Submission:

Labcorp Genetics (formerly Invitae), Labcorp
Classification: Likely pathogenic for Tuberous sclerosis 2. Last evaluated: 2024-08-20. Review status: criteria provided, single submitter. Criteria: Invitae Variant Classification Sherloc (09022015). Collection method: clinical testing. Allele origin: germline.
Comment: This variant results in the deletion of part of exon 22 (c.2356-1_2356delinsTT) of the TSC2 gene. It is expected to disrupt RNA splicing. Variants that disrupt the donor or acceptor splice site typically lead to a loss of protein function (PMID: 16199547), and loss-of-function variants in TSC2 are known to be pathogenic (PMID: 10205261, 17304050). Information on the frequency of this variant in the gnomAD database is not available, as this variant may be reported differently in the database. This variant has not been reported in the literature in individuals affected with TSC2-related conditions. In summary, the currently available evidence indicates that the variant is pathogenic, but additional data are needed to prove that conclusively. Therefore, this variant has been classified as Likely Pathogenic.

Literature cited by the submitters: PubMed 16199547; PubMed 10205261; PubMed 17304050.

NM_000548.5(TSC2):c.2356-1_2356delinsTT

Gene: TSC2 (TSC complex subunit 2; plus strand). Cytogenetic location: 16p13.3.
Variant type: Indel.
Coding change: c.2356-1_2356delinsTT on transcript NM_000548.5 (MANE Select); the canonical splice acceptor site of the intron before coding-DNA position 2356 through coding-DNA position 2356, GC replaced by TT.
Molecular consequence: splice acceptor variant.
Genome position (GRCh38, 1-based): chr16:2,074,199-2,074,200, GC replaced by TT. VCF-style: chr16-2074199-GC-TT. GRCh37 (hg19) VCF-style: chr16-2124200-GC-TT.
Other names: c.2389-1_2389delinsTT (NM_001318832.2); c.2299-1_2299delinsTT (NM_001406677.1); c.2209-1_2209delinsTT (NM_001406675.1, NM_001406676.1, NM_001318829.2 and 1 more transcripts); c.1756-1_1756delinsTT (NM_001406686.1, NM_001406680.1, NM_001406683.1 and 6 more transcripts); c.1012-1_1012delinsTT (NM_001406693.1, NM_001406689.1, NM_001406690.1 and 6 more transcripts); c.2446-1_2446delinsTT (NM_001406667.1, NM_001406668.1); c.754-1_754delinsTT (NM_001406698.1); c.2356-1_2356delinsTT (NM_001114382.3, NM_001406663.1, NM_001406664.1 and 6 more transcripts); and 3 more.
Identifiers: ClinVar variation 3663022 (VCV003663022.2).